The following is an entry in ClinVar:

ClinVar aggregate classification (germline): Uncertain significance (1 of 4 stars; one submission).

Allele frequency attached by ClinVar (database versions not stated): gnomAD exomes below 0.00001.
gnomAD v4.1: 1 of 1,613,942 alleles (0.000062%); highest among the groups gnomAD compares: Non-Finnish European, 0.000085%; no homozygotes.

Submission:

Labcorp Genetics (formerly Invitae), Labcorp
Classification: Uncertain significance. Last evaluated: 2021-11-12. Review status: criteria provided, single submitter. Criteria: Invitae Variant Classification Sherloc (09022015). Collection method: clinical testing. Allele origin: germline.
Comment: In summary, the available evidence is currently insufficient to determine the role of this variant in disease. Therefore, it has been classified as a Variant of Uncertain Significance. Advanced modeling of protein sequence and biophysical properties (such as structural, functional, and spatial information, amino acid conservation, physicochemical variation, residue mobility, and thermodynamic stability) performed at Invitae indicates that this missense variant is not expected to disrupt CNGB1 protein function. This variant has not been reported in the literature in individuals affected with CNGB1-related conditions. This variant is not present in population databases (gnomAD no frequency). This sequence change replaces asparagine, which is neutral and polar, with histidine, which is basic and polar, at codon 560 of the CNGB1 protein (p.Asn560His).

NM_001297.5(CNGB1):c.1678A>C (p.Asn560His)

Gene: CNGB1 (cyclic nucleotide gated channel subunit beta 1; minus strand). Cytogenetic location: 16q21.
Variant type: single nucleotide variant.
Coding change: c.1678A>C on transcript NM_001297.5 (MANE Select); coding-DNA position 1678, A replaced by C.
Protein change: p.Asn560His; replaces asparagine 560 with histidine.
Molecular consequence: missense variant.
Genome position (GRCh38, 1-based): chr16:57,920,510, T>G on the plus strand (A>C on the coding strand, the complement: CNGB1 is on the minus strand). VCF-style: chr16-57920510-T-G. GRCh37 (hg19) VCF-style: chr16-57954414-T-G.
Other names: c.1660A>C, p.Asn554His (NM_001286130.2); short protein forms N554H, N560H.
Identifiers: ClinVar variation 1425616 (VCV001425616.6), dbSNP rs1567378197, ClinGen allele CA396066833.